The following is an entry in ClinVar:

NM_020533.3(MCOLN1):c.880_881del (p.Asp294fs)

Gene: MCOLN1 (mucolipin TRP cation channel 1; plus strand). Cytogenetic location: 19p13.2.
Variant type: Microsatellite.
Coding change: c.880_881del on transcript NM_020533.3 (MANE Select); coding-DNA positions 880 to 881, 2 bases deleted (GA; older notation c.880_881delGA).
Protein change: p.Asp294fs; shifts the reading frame from aspartic acid 294.
Molecular consequence: frameshift variant.
Genome position (GRCh38, 1-based): chr19:7,528,599-7,528,600, GA deleted; deleting any 2 consecutive bases within chr19:7,528,597-7,528,600 gives the same sequence; the c. name uses the placement nearest the transcript's 3' end. VCF-style (leftmost placement, unchanged base first): chr19-7528596-GGA-G. GRCh37 (hg19) VCF-style: chr19-7593482-GGA-G.
Other names: short protein forms D294fs.
Identifiers: ClinVar variation 860465 (VCV000860465.7), dbSNP rs2022607233, ClinGen allele CA916083673.

ClinVar aggregate classification (germline): Pathogenic (1 of 4 stars; one submission).

Conditions:
Mucolipidosis type IV (ML4). Also called: ML IV. Identifiers: Orphanet 578, MedGen C0238286, MONDO:0009653, OMIM 252650.

Submission:

Labcorp Genetics (formerly Invitae), Labcorp
Classification: Pathogenic for Mucolipidosis type IV. Last evaluated: 2019-11-22. Review status: criteria provided, single submitter. Criteria: Invitae Variant Classification Sherloc (09022015). Collection method: clinical testing. Allele origin: germline.
Comment: For these reasons, this variant has been classified as Pathogenic. Loss-of-function variants in MCOLN1 are known to be pathogenic (PMID: 11030752, 11317355). This variant has not been reported in the literature in individuals with MCOLN1-related conditions. This variant is not present in population databases (ExAC no frequency). This sequence change creates a premature translational stop signal (p.Asp294Glnfs*8) in the MCOLN1 gene. It is expected to result in an absent or disrupted protein product.

Literature cited by the submitters: PubMed 11030752; PubMed 11317355.